The following is an entry in ClinVar:

NM_000135.4(FANCA):c.2729T>C (p.Leu910Pro)

Gene: FANCA (FA complementation group A; minus strand). Cytogenetic location: 16q24.3.
Variant type: single nucleotide variant.
Coding change: c.2729T>C on transcript NM_000135.4 (MANE Select); coding-DNA position 2729, T replaced by C.
Protein change: p.Leu910Pro; replaces leucine 910 with proline.
Molecular consequence: missense variant.
Genome position (GRCh38, 1-based): chr16:89,764,939, A>G on the plus strand (T>C on the coding strand, the complement: FANCA is on the minus strand). VCF-style: chr16-89764939-A-G. GRCh37 (hg19) VCF-style: chr16-89831347-A-G.
Other names: c.2729T>C, p.Leu910Pro (NM_001286167.3); short protein forms L910P.
Identifiers: ClinVar variation 2627411 (VCV002627411.2), dbSNP rs911818576, ClinGen allele CA397438139.

ClinVar aggregate classification (germline): Uncertain significance. Review status: criteria provided, multiple submitters, no conflicts (2 of 4 stars). 2 submissions from 2 submitters: Uncertain significance (2). Last evaluated 2026-04-30.

Conditions:
Inborn genetic diseases. Identifiers: MedGen C0950123, MeSH D030342.
Fanconi anemia complementation group A (FANCA). Also called: FANCA-Related Fanconi Anemia; Fanconi anemia, group A. Identifiers: Orphanet 84, MedGen C3469521, MONDO:0009215, OMIM 227650.

Submissions (2):

Ambry Genetics
Classification: Uncertain significance for Inborn genetic diseases. Last evaluated: 2026-04-30. Review status: criteria provided, single submitter. Criteria: Ambry Variant Classification Scheme 2023. Collection method: clinical testing. Allele origin: germline.
Comment: The p.L910P variant (also known as c.2729T>C), located in coding exon 28 of the FANCA gene, results from a T to C substitution at nucleotide position 2729. The leucine at codon 910 is replaced by proline, an amino acid with similar properties. This amino acid position is conserved. In addition, this alteration is predicted to be deleterious by in silico analysis. Based on the available evidence, the clinical significance of this variant remains unclear.

Neuberg Centre For Genomic Medicine, NCGM
Classification: Uncertain significance for Fanconi anemia complementation group A. Review status: criteria provided, single submitter. Criteria: ACMG Guidelines, 2015. Collection method: clinical testing. Allele origin: germline. Inheritance: Autosomal recessive inheritance. Affected: yes.
Comment: FANCA (Chr16:89831347) ; c.2729T>C ( p.Leu910Pro ) The missense variant p.L910P in FANCA (NM_000135.4) has not been reported previously as a pathogenic variant nor as a benign variant, to our knowledge. The p.L910P variant is novel (not in any individuals) in gnomAD Exomes and is novel (not in any individuals) in 1000 Genomes. In silico tools predict a damaging effect and the amino acid residue is conserved across species. For these reasons, this variant has been classified as Uncertain Significance.